The following is an entry in ClinVar:

NM_000492.4(CFTR):c.874_875del (p.Glu292fs)

Gene: CFTR (CF transmembrane conductance regulator; plus strand). Cytogenetic location: 7q31.2.
Variant type: Deletion.
Coding change: c.874_875del on transcript NM_000492.4 (MANE Select); coding-DNA positions 874 to 875, 2 bases deleted (GA; older notation c.874_875delGA).
Protein change: p.Glu292fs; shifts the reading frame from glutamic acid 292.
Molecular consequence: frameshift variant.
Genome position (GRCh38, 1-based): chr7:117,540,104-117,540,105, GA deleted; deleting any 2 consecutive bases within chr7:117,540,103-117,540,105 gives the same sequence; the c. name uses the placement nearest the transcript's 3' end. VCF-style (leftmost placement, unchanged base first): chr7-117540102-CAG-C. GRCh37 (hg19) VCF-style: chr7-117180156-CAG-C.
Other names: c.874_875delGA (NM_000492.3); short protein forms E292fs.
Identifiers: ClinVar variation 945120 (VCV000945120.13), dbSNP rs1799022949, ClinGen allele CA1139660104.

ClinVar aggregate classification (germline): Pathogenic/Likely pathogenic. Review status: criteria provided, multiple submitters, no conflicts (2 of 4 stars). 4 submissions from 4 submitters: Pathogenic (3); Likely pathogenic (1). Last evaluated 2025-06-18.

Conditions:
Cystic fibrosis (CF). Also called: MUCOVISCIDOSIS. Identifiers: Orphanet 586, MedGen C0010674, MONDO:0009061, OMIM 219700. Disease mechanism: loss of function.
CFTR-related disorder (CFTR-RD). Also called: CFTR-related disorders; CFTR-related condition. Identifiers: MedGen C5924204, MONDO:7770004.

Submissions (4):

Natera, Inc.
Classification: Likely pathogenic for CFTR-related disorders. Last evaluated: 2025-06-18. Review status: criteria provided, single submitter. Criteria: Natera Variant Classification Schema (03/2026). Collection method: clinical testing. Allele origin: germline.
Comment: The c.874_875delGA variant in CFTR is a frameshift variant predicted to shift the reading frame beginning at codon 292 and leads to a stop codon 15 codons downstream. This variant is expected to result in nonsense mediated decay, truncation, or a dysfunctional protein product. This variant is rare in the general population with a frequency below the threshold expected for the associated phenotype(s). Given the available evidence, this variant is classified as Likely Pathogenic.

Institute of Human Genetics, University of Leipzig Medical Center
Classification: Pathogenic for Cystic fibrosis. Last evaluated: 2022-09-05. Review status: criteria provided, single submitter. Criteria: ACMG Guidelines, 2015. Collection method: curation. Allele origin: unknown. Affected: yes. Observed: 1 variant allele.
Comment: The variant was classified in the context of a project re-classifying variants in the German Cystic Fibrosis Registry (Muko.e.V.). Criteria applied: PVS1, PM2_SUP, PM3, PP4

Ambry Genetics
Classification: Pathogenic for Cystic fibrosis. Last evaluated: 2020-07-24. Review status: criteria provided, single submitter. Criteria: Ambry Variant Classification Scheme 2023. Collection method: clinical testing. Allele origin: germline.
Comment: The c.874_875delGA pathogenic mutation, located in coding exon 8 of the CFTR gene, results from a deletion of two nucleotides at nucleotide positions 874 to 875, causing a translational frameshift with a predicted alternate stop codon (p.E292Tfs*15). This alteration is expected to result in loss of function by premature protein truncation or nonsense-mediated mRNA decay. As such, this alteration is interpreted as a disease-causing mutation.

Labcorp Genetics (formerly Invitae), Labcorp
Classification: Pathogenic for Cystic fibrosis. Last evaluated: 2019-06-16. Review status: criteria provided, single submitter. Criteria: Invitae Variant Classification Sherloc (09022015). Collection method: clinical testing. Allele origin: germline.
Comment: This variant has been observed in an individual affected with cystic fibosis (PMID: 26708955). Loss-of-function variants in CFTR are known to be pathogenic (PMID: 1695717, 7691345, 9725922). For these reasons, this variant has been classified as Pathogenic. This sequence change creates a premature translational stop signal (p.Glu292Thrfs*15) in the CFTR gene. It is expected to result in an absent or disrupted protein product. This variant is not present in population databases (ExAC no frequency).

Literature cited by the submitters: PubMed 26708955 (cited by Ambry Genetics and Labcorp Genetics (formerly Invitae), Labcorp); PubMed 1695717 (cited by Labcorp Genetics (formerly Invitae), Labcorp); PubMed 7691345 (cited by Labcorp Genetics (formerly Invitae), Labcorp); PubMed 9725922 (cited by Labcorp Genetics (formerly Invitae), Labcorp).